The following is an entry in ClinVar:

NM_001370259.2(MEN1):c.1356G>A (p.Arg452=)

Gene: MEN1 (menin 1; minus strand). Cytogenetic location: 11q13.1.
Variant type: single nucleotide variant.
Coding change: c.1356G>A on transcript NM_001370259.2 (MANE Select); coding-DNA position 1356, G replaced by A.
Protein change: p.Arg452=; no amino-acid change (arginine 452 retained).
Molecular consequence: synonymous variant.
Genome position (GRCh38, 1-based): chr11:64,804,811, C>T on the plus strand (G>A on the coding strand, the complement: MEN1 is on the minus strand). VCF-style: chr11-64804811-C-T. GRCh37 (hg19) VCF-style: chr11-64572283-C-T.
Other names: c.1371G>A, p.Arg457= (NM_000244.4, NM_130800.3, NM_130801.3 and 3 more transcripts); c.1482G>A, p.Arg494= (NM_001370251.2); c.1356G>A, p.Arg452= (NM_001370260.2, NM_001370261.2, NM_130799.3); c.1251G>A, p.Arg417= (NM_001370262.2, NM_001370263.2).
Identifiers: ClinVar variation 759864 (VCV000759864.11), dbSNP rs1180957953, ClinGen allele CA475163725.
Genomic context (GRCh38, chr11:64,804,811, plus strand): 5'-GCCCCACGGCTCCTCGGCCTCGGCCGCCTCGGCCTCTCGGCTCACTATGCGCACCTTCTG[C>T]CGCACCTGGGCCAGTGGGGAGAGCAAGGTGAGAGCAAGGTTGCCGGCCAGTGGCTGGAAC-3'
Protein context (NP_001357188.2, residues 442-462): QSLGRFEGQV[Arg452=]QKVRIVSREA

ClinVar aggregate classification (germline): Benign/Likely benign. Review status: criteria provided, multiple submitters, no conflicts (2 of 4 stars). 3 submissions from 3 submitters: Benign (1); Likely benign (2). Last evaluated 2025-04-27.

Conditions:
Hereditary cancer-predisposing syndrome. Also called: Tumor predisposition; Hereditary Cancer Syndrome; Neoplastic Syndromes, Hereditary; Hereditary neoplastic syndrome. Identifiers: Orphanet 140162, MedGen C0027672, MeSH D009386, MONDO:0015356.
Multiple endocrine neoplasia, type 1 (MEN1). Also called: MEA I; WERMER SYNDROME; Endocrine adenomatosis multiple; MEN 1; MEN I. Identifiers: Orphanet 652, MedGen C0025267, MeSH D018761, MONDO:0007540, OMIM 131100.

Submissions (3):

Labcorp Genetics (formerly Invitae), Labcorp
Classification: Likely benign for Multiple endocrine neoplasia, type 1. Last evaluated: 2025-04-27. Review status: criteria provided, single submitter. Criteria: Invitae Variant Classification Sherloc (09022015). Collection method: clinical testing. Allele origin: germline.

Ambry Genetics
Classification: Likely benign for Hereditary cancer-predisposing syndrome. Last evaluated: 2025-01-03. Review status: criteria provided, single submitter. Criteria: Ambry Variant Classification Scheme 2023. Collection method: clinical testing. Allele origin: germline.

Myriad Genetics, Inc.
Classification: Benign for Multiple endocrine neoplasia, type 1. Last evaluated: 2024-11-05. Review status: criteria provided, single submitter. Criteria: Myriad Autosomal Dominant, Autosomal Recessive and X-Linked Classification Criteria (2023). Collection method: clinical testing. Allele origin: unknown.
Comment: This variant is considered benign. This variant is a silent/synonymous amino acid change and it is not expected to impact splicing.